The following is an entry in ClinVar:

NM_001130009.3(GEN1):c.842G>T (p.Cys281Phe)

Gene: GEN1 (GEN1 structure-specific endonuclease; plus strand). Cytogenetic location: 2p24.2.
Variant type: single nucleotide variant.
Coding change: c.842G>T on transcript NM_001130009.3 (MANE Select); coding-DNA position 842, G replaced by T.
Protein change: p.Cys281Phe; replaces cysteine 281 with phenylalanine.
Molecular consequence: missense variant.
Genome position (GRCh38, 1-based): chr2:17,772,673, G>T. VCF-style: chr2-17772673-G-T. GRCh37 (hg19) VCF-style: chr2-17953940-G-T.
Other names: c.842G>T, p.Cys281Phe (NM_182625.5); short protein forms C281F.
Identifiers: ClinVar variation 4671463 (VCV004671463.1).

ClinVar aggregate classification (germline): Uncertain significance (1 of 4 stars; one submission).

gnomAD v4.1: 1 of 1,612,118 alleles (0.000062%); highest among the groups gnomAD compares: Non-Finnish European, 0.000085%; no homozygotes.

Submission:

Ambry Genetics
Classification: Uncertain significance. Last evaluated: 2025-10-07. Review status: criteria provided, single submitter. Criteria: Ambry Variant Classification Scheme 2023. Collection method: clinical testing. Allele origin: germline.
Comment: The p.C281F variant (also known as c.842G>T), located in coding exon 7 of the GEN1 gene, results from a G to T substitution at nucleotide position 842. The cysteine at codon 281 is replaced by phenylalanine, an amino acid with highly dissimilar properties. This amino acid position is conserved. In addition, this alteration is predicted to be deleterious by in silico analysis. Based on the available evidence, the clinical significance of this variant remains unclear.